The following is an entry in ClinVar:

NM_201384.3(PLEC):c.11605G>A (p.Gly3869Ser)

Gene: PLEC (plectin; minus strand). Cytogenetic location: 8q24.3.
Variant type: single nucleotide variant.
Coding change: c.11605G>A on transcript NM_201384.3 (MANE Select); coding-DNA position 11605, G replaced by A.
Protein change: p.Gly3869Ser; replaces glycine 3869 with serine.
Molecular consequence: missense variant.
Genome position (GRCh38, 1-based): chr8:143,918,216, C>T on the plus strand (G>A on the coding strand, the complement: PLEC is on the minus strand). VCF-style: chr8-143918216-C-T. GRCh37 (hg19) VCF-style: chr8-144992384-C-T.
Other names: c.11686G>A, p.Gly3896Ser (NM_000445.5); c.11563G>A, p.Gly3855Ser (NM_201378.4); c.11539G>A, p.Gly3847Ser (NM_201379.3); c.12016G>A, p.Gly4006Ser (NM_201380.4); c.11509G>A, p.Gly3837Ser (NM_201381.3); c.11605G>A, p.Gly3869Ser (NM_201382.4); c.11617G>A, p.Gly3873Ser (NM_201383.3); short protein forms G3855S, G3873S, G4006S, G3837S, G3847S, G3896S, G3869S.
Identifiers: ClinVar variation 658777 (VCV000658777.16), dbSNP rs782123116, ClinGen allele CA4924295.
Genomic context (GRCh38, chr8:143,918,216, plus strand): 5'-GCAGGCCACGGAAGGTCAGCTTGCGGGCGTCCGACAGTGGCAGGAGCAGCTGGCCGGTGC[C>T]GTCGTCACGACGGCACCGCCTGAGCAGCTGCGTGTAGCTGAGGCGCTCGTCGGTGGACGG-3'
Protein context (NP_958786.1, residues 3859-3879): QLLRRCRRDD[Gly3869Ser]TGQLLLPLSD

ClinVar aggregate classification (germline): Conflicting classifications of pathogenicity. Review status: criteria provided, conflicting classifications (1 of 4 stars). 7 submissions from 7 submitters: Uncertain significance (4); Likely benign (2). 1 of the submissions does not count toward it. Last evaluated 2025-06-14.

Conditions:
PLEC-related disorder. Also called: PLEC-related disorders; PLEC-related condition.
Autosomal recessive limb-girdle muscular dystrophy type 2Q (LGMDR17). Also called: MUSCULAR DYSTROPHY, LIMB-GIRDLE, AUTOSOMAL RECESSIVE 17. Identifiers: Orphanet 254361, MedGen C3150989, MONDO:0013390, OMIM 613723.
Epidermolysis bullosa simplex 5B, with muscular dystrophy (EBS5B). Also called: EPIDERMOLYSIS BULLOSA SIMPLEX AND LIMB-GIRDLE MUSCULAR DYSTROPHY; Epidermolysis bullosa simplex with muscular dystrophy. Identifiers: Orphanet 257, MedGen C2931072, MONDO:0009181, OMIM 226670.
Epidermolysis bullosa simplex 5C, with pyloric atresia (EBS5C). Also called: PLEC-Related Epidermolysis Bullosa with Pyloric Atresia; Epidermolysis bullosa simplex with pyloric atresia; PLEC1-Related Epidermolysis Bullosa with Pyloric Atresia. Identifiers: Orphanet 158684, MedGen C2677349, MONDO:0012807, OMIM 612138.
Epidermolysis bullosa simplex with nail dystrophy (EBS5D). Identifiers: MedGen C4225309, MONDO:0014661, OMIM 616487.
Epidermolysis bullosa simplex, Ogna type (EBS5A). Also called: Pidermolysis bullosa simplex 5A, Ogna type; EPIDERMOLYSIS BULLOSA SIMPLEX 5A, OGNA TYPE. Identifiers: Orphanet 79401, MedGen C0432317, MONDO:0007555, OMIM 131950.
Junctional epidermolysis bullosa with pyloric atresia. Also called: APLASIA CUTIS CONGENITA WITH GASTROINTESTINAL ATRESIA; EB-PA-ACC; ITGB4-Related Epidermolysis Bullosa with Pyloric Atresia; CARMI SYNDROME; Epidermolysis bullosa, junctional, with pyloric atresia and aplasia cutis congenita; Epidermolysis bullosa junctionalis with pyloric atresia. Identifiers: Orphanet 79403, MedGen C5676875, MONDO:0009183, OMIM 226730.

Allele frequency attached by ClinVar (database versions not stated): ExAC 0.00002; gnomAD 0.00003 and 0.00004; gnomAD exomes 0.00005 and 0.00006; TOPMed 0.00006.
gnomAD v4.1: 81 of 1,577,930 alleles (0.0051%); highest among the groups gnomAD compares: South Asian, 0.015%; no homozygotes.

Submissions (7):

Labcorp Genetics (formerly Invitae), Labcorp
Classification: Uncertain significance for Autosomal recessive limb-girdle muscular dystrophy type 2Q; Epidermolysis bullosa simplex, Ogna type; Epidermolysis bullosa simplex with nail dystrophy; Epidermolysis bullosa simplex 5C, with pyloric atresia; Epidermolysis bullosa simplex 5B, with muscular dystrophy. Last evaluated: 2025-06-14. Review status: criteria provided, single submitter. Criteria: Invitae Variant Classification Sherloc (09022015). Collection method: clinical testing. Allele origin: germline.
Comment: This sequence change replaces glycine, which is neutral and non-polar, with serine, which is neutral and polar, at codon 3896 of the PLEC protein (p.Gly3896Ser). This variant is present in population databases (rs782123116, gnomAD 0.01%). This variant has not been reported in the literature in individuals affected with PLEC-related conditions. ClinVar contains an entry for this variant (Variation ID: 658777). An algorithm developed to predict the effect of missense changes on protein structure and function outputs the following: PolyPhen-2: "Benign". The serine amino acid residue is found in multiple mammalian species, which suggests that this missense change does not adversely affect protein function. In summary, the available evidence is currently insufficient to determine the role of this variant in disease. Therefore, it has been classified as a Variant of Uncertain Significance.

Revvity Omics, Revvity
Classification: Uncertain significance. Last evaluated: 2025-02-04. Review status: criteria provided, single submitter. Criteria: ACMG Guidelines, 2015. Collection method: clinical testing. Allele origin: germline.

Blueprint Genetics
Classification: Likely benign. Last evaluated: 2024-09-13. Review status: criteria provided, single submitter. Criteria: ACMG Guidelines, 2015. Collection method: clinical testing. Allele origin: germline.

Department of Pathology and Laboratory Medicine, Sinai Health System
Classification: Uncertain significance for Epidermolysis bullosa simplex, Ogna type; Epidermolysis bullosa simplex 5B, with muscular dystrophy; Junctional epidermolysis bullosa with pyloric atresia; Epidermolysis bullosa simplex 5C, with pyloric atresia; Autosomal recessive limb-girdle muscular dystrophy type 2Q; Epidermolysis bullosa simplex with nail dystrophy. Last evaluated: 2023-01-12. Review status: criteria provided, single submitter. Criteria: ACMG Guidelines, 2015. Collection method: research. Allele origin: germline.

Athena Diagnostics
Classification: Uncertain significance. Last evaluated: 2022-07-28. Review status: criteria provided, single submitter. Criteria: Athena Diagnostics Criteria. Collection method: clinical testing. Allele origin: unknown.

GeneDx
Classification: Likely benign. Last evaluated: 2019-01-18. Review status: criteria provided, single submitter. Criteria: GeneDx Variant Classification Process June 2021. Collection method: clinical testing. Allele origin: germline. Affected: yes.
Comment: See Variant Classification Assertion Criteria.

PreventionGenetics, part of Exact Sciences
Classification: Uncertain significance for PLEC-related condition. Last evaluated: 2024-08-23. Review status: no assertion criteria provided. Collection method: clinical testing. Allele origin: germline. Not counted in ClinVar's aggregate classification.
Comment: The PLEC c.11686G>A variant is predicted to result in the amino acid substitution p.Gly3896Ser. To our knowledge, this variant has not been reported in the literature. This variant is reported in 0.013% of alleles in individuals of European (non-Finnish) descent in gnomAD. At this time, the clinical significance of this variant is uncertain due to the absence of conclusive functional and genetic evidence.

Literature cited by the submitters: PubMed 30691450 (cited by Athena Diagnostics).